The following is an entry in ClinVar:

NM_001199107.2(TBC1D24):c.632A>G (p.Asp211Gly)

Gene: TBC1D24 (TBC1 domain family member 24; plus strand). Cytogenetic location: 16p13.3.
Variant type: single nucleotide variant.
Coding change: c.632A>G on transcript NM_001199107.2 (MANE Select); coding-DNA position 632, A replaced by G.
Protein change: p.Asp211Gly; replaces aspartic acid 211 with glycine.
Molecular consequence: missense variant.
Genome position (GRCh38, 1-based): chr16:2,496,780, A>G. VCF-style: chr16-2496780-A-G. GRCh37 (hg19) VCF-style: chr16-2546781-A-G.
Other names: c.632A>G, p.Asp211Gly (NM_020705.3); short protein forms D211G.
Identifiers: ClinVar variation 664150 (VCV000664150.11), dbSNP rs1596968508, ClinGen allele CA394376789.

ClinVar aggregate classification (germline): Uncertain significance (1 of 4 stars; one submission).

Conditions:
Autosomal dominant nonsyndromic hearing loss 65. Also called: Deafness, autosomal dominant 65; TBC1D24-Related Autosomal Dominant Nonsyndromic Hearing Loss (DFNA). Identifiers: Orphanet 90635, MedGen C3892048, MONDO:0014470, OMIM 616044.
Developmental and epileptic encephalopathy, 1 (DEE1). Also called: Epileptic encephalopathy, early infantile, 1; X-linked infantile spasms; West's syndrome; Tonic spasms with clustering, arrest of psychomotor development and hypsarrhythmia on EEG; X-Linked Infantile Spasm Syndrome; OHTAHARA SYNDROME, X-LINKED. Identifiers: MedGen C3463992, MONDO:0010632, OMIM 308350. Disease mechanism: loss of function.

Submission:

Labcorp Genetics (formerly Invitae), Labcorp
Classification: Uncertain significance for Developmental and epileptic encephalopathy, 1; Autosomal dominant nonsyndromic hearing loss 65. Last evaluated: 2022-02-10. Review status: criteria provided, single submitter. Criteria: Invitae Variant Classification Sherloc (09022015). Collection method: clinical testing. Allele origin: germline.
Comment: In summary, the available evidence is currently insufficient to determine the role of this variant in disease. Therefore, it has been classified as a Variant of Uncertain Significance. Advanced modeling of protein sequence and biophysical properties (such as structural, functional, and spatial information, amino acid conservation, physicochemical variation, residue mobility, and thermodynamic stability) performed at Invitae indicates that this missense variant is expected to disrupt TBC1D24 protein function. ClinVar contains an entry for this variant (Variation ID: 664150). This variant has not been reported in the literature in individuals affected with TBC1D24-related conditions. This variant is not present in population databases (gnomAD no frequency). This sequence change replaces aspartic acid, which is acidic and polar, with glycine, which is neutral and non-polar, at codon 211 of the TBC1D24 protein (p.Asp211Gly).